The following is an entry in ClinVar:

NM_001353345.2(SETD1B):c.4282C>T (p.Arg1428Trp)

Gene: SETD1B (SET domain containing 1B, histone lysine methyltransferase; plus strand). Cytogenetic location: 12q24.31.
Variant type: single nucleotide variant.
Coding change: c.4282C>T on transcript NM_001353345.2 (MANE Select); coding-DNA position 4282, C replaced by T.
Protein change: p.Arg1428Trp; replaces arginine 1428 with tryptophan.
Molecular consequence: missense variant.
Genome position (GRCh38, 1-based): chr12:121,822,861, C>T. VCF-style: chr12-121822861-C-T. GRCh37 (hg19) VCF-style: chr12-122260767-C-T.
Other names: NM_015048.1:c.4153C>T; short protein forms R1428W.
Identifiers: ClinVar variation 2237590 (VCV002237590.3), dbSNP rs1464161909, ClinGen allele CA386998703.
Genomic context (GRCh38, chr12:121,822,861, plus strand): 5'-TTCTCCTACCCAGCCCCGTCCCCTAGCTTGAGCAGTGGGGGCCTCCCTCGGACACCTGGC[C>T]GGGACTTCAGCTTCACACCCACCTTCTCCGAGCCCAGCGGGCCCTTGCTCCTGCCCGTCT-3'
Protein context (NP_001340274.1, residues 1418-1438): SSGGLPRTPG[Arg1428Trp]DFSFTPTFSE

ClinVar aggregate classification (germline): Uncertain significance. Review status: criteria provided, multiple submitters, no conflicts (2 of 4 stars). 2 submissions from 2 submitters: Uncertain significance (2). Last evaluated 2025-07-28.

Conditions:
Inborn genetic diseases. Identifiers: MedGen C0950123, MeSH D030342.

Allele frequency attached by ClinVar (database versions not stated): gnomAD exomes 0.00001; TOPMed 0.00001; gnomAD 0.00001.
gnomAD v4.1: 12 of 1,487,744 alleles (0.00081%); highest among the groups gnomAD compares: East Asian, 0.012%; no homozygotes.

Submissions (2):

Women's Health and Genetics/Laboratory Corporation of America, LabCorp
Classification: Uncertain significance. Last evaluated: 2025-07-28. Review status: criteria provided, single submitter. Criteria: LabCorp Variant Classification Summary - May 2015. Collection method: clinical testing. Allele origin: germline.
Comment: Variant summary: SETD1B c.4282C>T (p.Arg1428Trp) results in a non-conservative amino acid change in the encoded protein sequence. Algorithms developed to predict the effect of missense changes on protein structure and function are either unavailable or do not agree on the potential impact of this missense change. The variant was absent in 104294 control chromosomes. The available data on variant occurrences in the general population are insufficient to allow any conclusion about variant significance. To our knowledge, no occurrence of c.4282C>T in individuals affected with Intellectual Developmental Disorder With Seizures And Language Delay and no experimental evidence demonstrating its impact on protein function have been reported. ClinVar contains an entry for this variant (Variation ID: 2237590). Based on the evidence outlined above, the variant was classified as uncertain significance.

Ambry Genetics
Classification: Uncertain significance for Inborn genetic diseases. Last evaluated: 2021-07-14. Review status: criteria provided, single submitter. Criteria: Ambry Variant Classification Scheme 2023. Collection method: clinical testing. Allele origin: germline.